The following is an entry in ClinVar:

ClinVar aggregate classification (germline): Uncertain significance (1 of 4 stars; one submission).

Conditions:
Hereditary cancer-predisposing syndrome. Also called: Tumor predisposition; Neoplastic Syndromes, Hereditary; Hereditary neoplastic syndrome; Hereditary Cancer Syndrome. Identifiers: Orphanet 140162, MedGen C0027672, MeSH D009386, MONDO:0015356.

gnomAD v4.1: 1 of 1,613,704 alleles (0.000062%); no homozygotes.

Submission:

Ambry Genetics
Classification: Uncertain significance for Hereditary cancer-predisposing syndrome. Last evaluated: 2024-08-11. Review status: criteria provided, single submitter. Criteria: Ambry Variant Classification Scheme 2023. Collection method: clinical testing. Allele origin: germline.
Comment: The p.C73F variant (also known as c.218G>T), located in coding exon 1 of the STK11 gene, results from a G to T substitution at nucleotide position 218. The cysteine at codon 73 is replaced by phenylalanine, an amino acid with highly dissimilar properties. This amino acid position is highly conserved in available vertebrate species. In addition, this alteration is predicted to be deleterious by in silico analysis. Based on the available evidence, the clinical significance of this variant remains unclear.

NM_000455.5(STK11):c.218G>T (p.Cys73Phe)

Gene: STK11 (serine/threonine kinase 11; plus strand). Cytogenetic location: 19p13.3.
Variant type: single nucleotide variant.
Coding change: c.218G>T on transcript NM_000455.5 (MANE Select); coding-DNA position 218, G replaced by T.
Protein change: p.Cys73Phe; replaces cysteine 73 with phenylalanine.
Molecular consequence: missense variant. On other transcripts: non-coding transcript variant (1).
Genome position (GRCh38, 1-based): chr19:1,207,131, G>T. VCF-style: chr19-1207131-G-T. GRCh37 (hg19) VCF-style: chr19-1207130-G-T.
Other names: c.218G>T, p.Cys73Phe (NM_001407255.1); short protein forms C73F.
Identifiers: ClinVar variation 3450570 (VCV003450570.1).
Genomic context (GRCh38, chr19:1,207,131, plus strand): 5'-ACCTGCTGGGGGAAGGCTCTTACGGCAAGGTGAAGGAGGTGCTGGACTCGGAGACGCTGT[G>T]CAGGAGGGCCGTCAAGATCCTCAAGAAGAAGAAGTTGCGAAGGATCCCCAACGGGGAGGC-3'
Protein context (NP_000446.1, residues 63-83): VKEVLDSETL[Cys73Phe]RRAVKILKKK